The following is an entry in ClinVar:

NM_001080517.3(SETD5):c.568-2A>G

Gene: SETD5 (SET domain containing 5; plus strand). Cytogenetic location: 3p25.3.
Variant type: single nucleotide variant.
Coding change: c.568-2A>G on transcript NM_001080517.3 (MANE Select); the canonical splice acceptor site of the intron before coding-DNA position 568, A replaced by G.
Molecular consequence: splice acceptor variant.
Genome position (GRCh38, 1-based): chr3:9,440,454, A>G. VCF-style: chr3-9440454-A-G. GRCh37 (hg19) VCF-style: chr3-9482138-A-G.
Other names: c.568-2A>G (NM_001437643.1); c.274-2A>G (NM_001349451.2, NM_001292043.2); c.664-2A>G (NM_001437633.1); c.625-2A>G (NM_001437635.1); c.607-2A>G (NM_001437701.1).
Identifiers: ClinVar variation 4719528 (VCV004719528.1).

ClinVar aggregate classification (germline): Likely pathogenic (1 of 4 stars; one submission).

Submission:

Labcorp Genetics (formerly Invitae), Labcorp
Classification: Likely pathogenic. Last evaluated: 2025-05-19. Review status: criteria provided, single submitter. Criteria: Invitae Variant Classification Sherloc (09022015). Collection method: clinical testing. Allele origin: germline.
Comment: This sequence change affects an acceptor splice site in intron 7 of the SETD5 gene. It is expected to disrupt RNA splicing. Variants that disrupt the donor or acceptor splice site typically lead to a loss of protein function (PMID: 16199547), and loss-of-function variants in SETD5 are known to be pathogenic (PMID: 24680889). This variant is not present in population databases (gnomAD no frequency). This variant has not been reported in the literature in individuals affected with SETD5-related conditions. Algorithms developed to predict the effect of sequence changes on RNA splicing suggest that this variant may disrupt the consensus splice site. In summary, the currently available evidence indicates that the variant is pathogenic, but additional data are needed to prove that conclusively. Therefore, this variant has been classified as Likely Pathogenic.

Literature cited by the submitters: PubMed 16199547; PubMed 24680889.